The following is an entry in ClinVar:

NM_001330588.2(TPP2):c.1820G>T (p.Gly607Val)

Gene: TPP2 (tripeptidyl peptidase 2; plus strand). Cytogenetic location: 13q33.1.
Variant type: single nucleotide variant.
Coding change: c.1820G>T on transcript NM_001330588.2 (MANE Select); coding-DNA position 1820, G replaced by T.
Protein change: p.Gly607Val; replaces glycine 607 with valine.
Molecular consequence: missense variant. On other transcripts: non-coding transcript variant (1).
Genome position (GRCh38, 1-based): chr13:102,637,223, G>T. VCF-style: chr13-102637223-G-T. GRCh37 (hg19) VCF-style: chr13-103289573-G-T.
Other names: c.1820G>T, p.Gly607Val (NM_001367947.1, NM_003291.4); short protein forms G607V.
Identifiers: ClinVar variation 2013839 (VCV002013839.4), dbSNP rs2503988305, ClinGen allele CA388489590.

ClinVar aggregate classification (germline): Uncertain significance (1 of 4 stars; one submission).

Conditions:
Evans syndrome, immunodeficiency, and premature immunosenescence associated with tripeptidyl-peptidase II deficiency. Identifiers: MedGen CN231723. Disease mechanism: loss of function.

Submission:

Labcorp Genetics (formerly Invitae), Labcorp
Classification: Uncertain significance for Evans syndrome, immunodeficiency, and premature immunosenescence associated with tripeptidyl-peptidase II deficiency. Last evaluated: 2024-11-11. Review status: criteria provided, single submitter. Criteria: Invitae Variant Classification Sherloc (09022015). Collection method: clinical testing. Allele origin: germline.
Comment: This sequence change replaces glycine, which is neutral and non-polar, with valine, which is neutral and non-polar, at codon 607 of the TPP2 protein (p.Gly607Val). This variant is not present in population databases (gnomAD no frequency). This variant has not been reported in the literature in individuals affected with TPP2-related conditions. ClinVar contains an entry for this variant (Variation ID: 2013839). An algorithm developed to predict the effect of missense changes on protein structure and function (PolyPhen-2) suggests that this variant is likely to be disruptive. Algorithms developed to predict the effect of sequence changes on RNA splicing suggest that this variant may disrupt the consensus splice site. In summary, the available evidence is currently insufficient to determine the role of this variant in disease. Therefore, it has been classified as a Variant of Uncertain Significance.